The following is an entry in ClinVar:

ClinVar aggregate classification (germline): Benign (1 of 4 stars; one submission).

Conditions:
Breast-ovarian cancer, familial, susceptibility to, 2 (BROVCA2). Also called: BRCA2 Hereditary Breast and Ovarian Cancer. Identifiers: Orphanet 145, MedGen C2675520, MONDO:0012933, OMIM 612555. Disease mechanism: loss of function.

gnomAD v4.1: 13 of 674,516 alleles (0.0019%); highest among the groups gnomAD compares: Non-Finnish European, 0.0028%; no homozygotes.

Submission:

Dipartimento Di Medicina Di Precisione, Università Degli Studi Della Campania Luigi Vanvitelli
Classification: Benign for Breast-ovarian cancer, familial, susceptibility to, 2. Last evaluated: 2025-07-22. Review status: criteria provided, single submitter. Criteria: ACMG Guidelines, 2015. Collection method: clinical testing. Allele origin: germline. Inheritance: Autosomal dominant inheritance. Affected: yes. Observed: 1 heterozygote.
Comment: The PALB2 c.*146A>G variant is located in the 3' untranslated region (3'UTR) of the transcript NM_024675.4 and does not affect the coding sequence. This variant is not predicted to impact RNA splicing or gene expression based on available in silico tools. It is not conserved across species and has no reported association with disease in the literature or databases such as ClinVar or HGMD. According to ACMG/AMP criteria, this variant is classified as benign.

Literature cited by the submitters: DOI 10.3390/ijms26135928.

NM_024675.4(PALB2):c.*146A>G

Gene: PALB2 (partner and localizer of BRCA2; minus strand). Cytogenetic location: 16p12.2.
Variant type: single nucleotide variant.
Coding change: c.*146A>G on transcript NM_024675.4 (MANE Select); 146 bases downstream of the stop codon, A replaced by G.
Molecular consequence: 3 prime UTR variant.
Genome position (GRCh38, 1-based): chr16:23,603,313, T>C on the plus strand (A>G on the coding strand, the complement: PALB2 is on the minus strand). VCF-style: chr16-23603313-T-C. GRCh37 (hg19) VCF-style: chr16-23614634-T-C.
Other names: c.*146A>G.
Identifiers: ClinVar variation 4073578 (VCV004073578.1), dbSNP rs1005933814.
Genomic context (GRCh38, chr16:23,603,313, plus strand): 5'-CCTAAAACCCTTTTTCTCAAAGTATACATAAATGTACATCCAAGATCAGTGGTGCTACCA[T>C]CATTAGAATAAAAAATAAGTCTGTCTGGACATAAACAAGCAATCATTTTAAGTGTCATTC-3'